The following is an entry in ClinVar:

NM_000179.3(MSH6):c.2338_2339del (p.Ala780fs)

Gene: MSH6 (mutS homolog 6; plus strand). Cytogenetic location: 2p16.3.
Variant type: Deletion.
Coding change: c.2338_2339del on transcript NM_000179.3 (MANE Select); coding-DNA positions 2338 to 2339, 2 bases deleted (GC; older notation c.2338_2339delGC).
Protein change: p.Ala780fs; shifts the reading frame from alanine 780.
Molecular consequence: frameshift variant. On other transcripts: non-coding transcript variant (5), intron variant (3).
Genome position (GRCh38, 1-based): chr2:47,800,321-47,800,322, GC deleted. VCF-style (leftmost placement, unchanged base first): chr2-47800320-TGC-T. GRCh37 (hg19) VCF-style: chr2-48027459-TGC-T.
Other names: c.1948_1949del, p.Ala650fs (NM_001281492.2); c.1432_1433del, p.Ala478fs (NM_001281493.2, NM_001281494.2, NM_001406811.1 and 6 more transcripts); c.2434_2435del, p.Ala812fs (NM_001406795.1, NM_001406802.1); c.2338_2339del, p.Ala780fs (NM_001406796.1, NM_001406798.1, NM_001406800.1 and 2 more transcripts); c.2041_2042del, p.Ala681fs (NM_001406797.1, NM_001406801.1, NM_001406805.1 and 10 more transcripts); c.1813_1814del, p.Ala605fs (NM_001406799.1, NM_001406806.1, NM_001406807.1); c.2260_2261del, p.Ala754fs (NM_001406804.1); c.2344_2345del, p.Ala782fs (NM_001406813.1); and 4 more; short protein forms A478fs, A605fs, A650fs, A681fs, A724fs, A754fs, A780fs, A782fs.
Identifiers: ClinVar variation 2673675 (VCV002673675.4), dbSNP rs2530665908, ClinGen allele CA2695200525.

ClinVar aggregate classification (germline): Pathogenic. Review status: criteria provided, multiple submitters, no conflicts (2 of 4 stars). 3 submissions from 3 submitters: Pathogenic (3). Last evaluated 2025-12-17.

Conditions:
Hereditary nonpolyposis colorectal neoplasms. Identifiers: MedGen C0009405, MeSH D003123.
Hereditary cancer-predisposing syndrome. Also called: Tumor predisposition; Hereditary neoplastic syndrome; Neoplastic Syndromes, Hereditary; Hereditary Cancer Syndrome. Identifiers: Orphanet 140162, MedGen C0027672, MeSH D009386, MONDO:0015356.
Lynch syndrome 5 (LYNCH5). Also called: Colorectal cancer, hereditary nonpolyposis, type 5; Hereditary non-polyposis colorectal cancer, type 5. Identifiers: Orphanet 144, MedGen C1833477, MONDO:0013710, OMIM 614350. Disease mechanism: loss of function.

Submissions (3):

Labcorp Genetics (formerly Invitae), Labcorp
Classification: Pathogenic for Hereditary nonpolyposis colorectal neoplasms. Last evaluated: 2025-12-17. Review status: criteria provided, single submitter. Criteria: Invitae Variant Classification Sherloc (09022015). Collection method: clinical testing. Allele origin: germline.
Comment: This sequence change creates a premature translational stop signal (p.Ala780Profs*4) in the MSH6 gene. It is expected to result in an absent or disrupted protein product. Loss-of-function variants in MSH6 are known to be pathogenic (PMID: 18269114, 24362816). This variant is not present in population databases (gnomAD no frequency). This variant has not been reported in the literature in individuals affected with MSH6-related conditions. ClinVar contains an entry for this variant (Variation ID: 2673675). For these reasons, this variant has been classified as Pathogenic.

Ambry Genetics
Classification: Pathogenic for Hereditary cancer-predisposing syndrome. Last evaluated: 2025-05-08. Review status: criteria provided, single submitter. Criteria: Ambry Variant Classification Scheme 2023. Collection method: clinical testing. Allele origin: germline.
Comment: The c.2338_2339delGC pathogenic mutation, located in coding exon 4 of the MSH6 gene, results from a deletion of two nucleotides at nucleotide positions 2338 to 2339, causing a translational frameshift with a predicted alternate stop codon (p.A780Pfs*4). This variant is considered to be rare based on population cohorts in the Genome Aggregation Database (gnomAD). This alteration is expected to result in loss of function by premature protein truncation or nonsense-mediated mRNA decay. As such, this alteration is interpreted as a disease-causing mutation.

Myriad Genetics, Inc.
Classification: Pathogenic for Lynch syndrome 5. Last evaluated: 2023-08-17. Review status: criteria provided, single submitter. Criteria: Myriad Autosomal Dominant, Autosomal Recessive and X-Linked Classification Criteria (2023). Collection method: clinical testing. Allele origin: unknown.
Comment: This variant is considered pathogenic. This variant creates a frameshift predicted to result in premature protein truncation.

Literature cited by the submitters: PubMed 18269114 (cited by Labcorp Genetics (formerly Invitae), Labcorp); PubMed 24362816 (cited by Labcorp Genetics (formerly Invitae), Labcorp).